The following is an entry in ClinVar:

NM_139279.6(MCFD2):c.*1924T>C

Genes: MCFD2 (multiple coagulation factor deficiency 2, ER cargo receptor complex subunit; minus strand), MCFD2-AS1 (MCFD2 antisense RNA 1; plus strand). Cytogenetic location: 2p21.
Variant type: single nucleotide variant.
Coding change: c.*1924T>C on transcript NM_139279.6 (MANE Select); 1924 bases downstream of the stop codon, T replaced by C.
Molecular consequence: 3 prime UTR variant.
Genome position (GRCh38, 1-based): chr2:46,903,539, A>G on the plus strand (T>C on the coding strand, the complement: MCFD2 is on the minus strand). VCF-style: chr2-46903539-A-G. GRCh37 (hg19) VCF-style: chr2-47130678-A-G.
Other names: c.*1924T>C (NM_001171506.2, NM_001171507.2, NM_001171508.2 and 3 more transcripts).
Identifiers: ClinVar variation 336347 (VCV000336347.5), dbSNP rs6715391, ClinGen allele CA10613526.

ClinVar aggregate classification (germline): Benign (1 of 4 stars; one submission).

Conditions:
Factor 5 and Factor VIII, combined deficiency of, 2. Identifiers: Orphanet 35909, MedGen C3150889, MONDO:0013331, OMIM 613625.

Allele frequency attached by ClinVar (database versions not stated): gnomAD 0.06417 and 0.06423; TOPMed 0.07056; gnomAD exomes 0.07692; 1000 Genomes Project 0.09285; 1000 Genomes Project 30x 0.09478.
gnomAD v4.1: 9,687 of 152,344 alleles (6.4%); highest among the groups gnomAD compares: African/African-American, 14%; 559 homozygotes.

Submission:

Illumina Laboratory Services, Illumina
Classification: Benign for Factor 5 and Factor VIII, combined deficiency of, 2. Last evaluated: 2018-01-13. Review status: criteria provided, single submitter. Criteria: ICSL Variant Classification Criteria 13 December 2019. Collection method: clinical testing. Allele origin: germline.
Comment: This variant was observed in the ICSL laboratory as part of a predisposition screen in an ostensibly healthy population. It had not been previously curated by ICSL or reported in the Human Gene Mutation Database (HGMD: prior to June 1st, 2018), and was therefore a candidate for classification through an automated scoring system. Utilizing variant allele frequency, disease prevalence and penetrance estimates, and inheritance mode, an automated score was calculated to assess if this variant is too frequent to cause the disease. Based on the score and internal cut-off values, a variant classified as benign is not then subjected to further curation. The score for this variant resulted in a classification of benign for this disease.